The following is an entry in ClinVar:

ClinVar aggregate classification (germline): Uncertain significance (1 of 4 stars; one submission).

Conditions:
Tuberous sclerosis 2 (TSC2). Identifiers: Orphanet 805, MedGen C1860707, MONDO:0013199, OMIM 613254.

Submission:

Labcorp Genetics (formerly Invitae), Labcorp
Classification: Uncertain significance for Tuberous sclerosis 2. Last evaluated: 2023-06-23. Review status: criteria provided, single submitter. Criteria: Invitae Variant Classification Sherloc (09022015). Collection method: clinical testing. Allele origin: germline.
Comment: This sequence change replaces histidine, which is basic and polar, with asparagine, which is neutral and polar, at codon 1670 of the TSC2 protein (p.His1670Asn). This variant is not present in population databases (gnomAD no frequency). In summary, the available evidence is currently insufficient to determine the role of this variant in disease. Therefore, it has been classified as a Variant of Uncertain Significance. Advanced modeling of protein sequence and biophysical properties (such as structural, functional, and spatial information, amino acid conservation, physicochemical variation, residue mobility, and thermodynamic stability) performed at Invitae indicates that this missense variant is not expected to disrupt TSC2 protein function. This variant has not been reported in the literature in individuals affected with TSC2-related conditions.

NM_000548.5(TSC2):c.5008C>A (p.His1670Asn)

Gene: TSC2 (TSC complex subunit 2; plus strand). Cytogenetic location: 16p13.3.
Variant type: single nucleotide variant.
Coding change: c.5008C>A on transcript NM_000548.5 (MANE Select); coding-DNA position 5008, C replaced by A.
Protein change: p.His1670Asn; replaces histidine 1670 with asparagine.
Molecular consequence: missense variant. On other transcripts: non-coding transcript variant (5).
Genome position (GRCh38, 1-based): chr16:2,087,881, C>A. VCF-style: chr16-2087881-C-A. GRCh37 (hg19) VCF-style: chr16-2137882-C-A.
Other names: c.4807C>A, p.His1603Asn (NM_001077183.3); c.4939C>A, p.His1647Asn (NM_001114382.3); c.4699C>A, p.His1567Asn (NM_001318827.2); c.4663C>A, p.His1555Asn (NM_001318829.2); c.4276C>A, p.His1426Asn (NM_001318831.2); c.4840C>A, p.His1614Asn (NM_001318832.2); c.4810C>A, p.His1604Asn (NM_001363528.2); c.4876C>A, p.His1626Asn (NM_001370404.1); and 26 more; short protein forms H1567N, H1597N, H1600N, H1604N, H1610N, H1644N, H1670N, H1069N.
Identifiers: ClinVar variation 2725025 (VCV002725025.3), dbSNP rs1596454994, ClinGen allele CA394311133.